The following is an entry in ClinVar:

NM_014727.3(KMT2B):c.5633G>C (p.Gly1878Ala)

Gene: KMT2B (lysine methyltransferase 2B; plus strand). Cytogenetic location: 19q13.12.
Variant type: single nucleotide variant.
Coding change: c.5633G>C on transcript NM_014727.3 (MANE Select); coding-DNA position 5633, G replaced by C.
Protein change: p.Gly1878Ala; replaces glycine 1878 with alanine.
Molecular consequence: missense variant.
Genome position (GRCh38, 1-based): chr19:35,732,103, G>C. VCF-style: chr19-35732103-G-C. GRCh37 (hg19) VCF-style: chr19-36223004-G-C.
Other names: short protein forms G1878A.
Identifiers: ClinVar variation 2634173 (VCV002634173.4), dbSNP rs1057220303, ClinGen allele CA307795268.

ClinVar aggregate classification (germline): Benign. Review status: criteria provided, single submitter (1 of 4 stars). 2 submissions from 2 submitters: Benign (1). 1 of the submissions does not count toward it. Last evaluated 2025-03-07.

Conditions:
KMT2B-related disorder. Also called: KMT2B-related condition; KMT2B-related disorders. Identifiers: MedGen CN381338.

Allele frequency attached by ClinVar (database versions not stated): gnomAD exomes below 0.00001; TOPMed 0.00002; gnomAD 0.00003.
gnomAD v4.1: 10 of 1,603,146 alleles (0.00062%); highest among the groups gnomAD compares: African/African-American, 0.0027%; no homozygotes.

Submissions (2):

Labcorp Genetics (formerly Invitae), Labcorp
Classification: Benign. Last evaluated: 2025-03-07. Review status: criteria provided, single submitter. Criteria: Invitae Variant Classification Sherloc (09022015). Collection method: clinical testing. Allele origin: germline.

PreventionGenetics, part of Exact Sciences
Classification: Uncertain significance for KMT2B-related condition. Last evaluated: 2024-06-07. Review status: no assertion criteria provided. Collection method: clinical testing. Allele origin: germline. Not counted in ClinVar's aggregate classification.
Comment: The KMT2B c.5633G>C variant is predicted to result in the amino acid substitution p.Gly1878Ala. To our knowledge, this variant has not been reported in the literature. This variant is reported in 0.0047% of alleles in individuals of African descent in gnomAD. At this time, the clinical significance of this variant is uncertain due to the absence of conclusive functional and genetic evidence.